The following is an entry in ClinVar:

ClinVar aggregate classification (germline): Uncertain significance (1 of 4 stars; one submission).

gnomAD v4.1: 7 of 1,613,954 alleles (0.00043%); highest among the groups gnomAD compares: Admixed American, 0.012%; no homozygotes.

Submission:

Ambry Genetics
Classification: Uncertain significance. Last evaluated: 2024-12-04. Review status: criteria provided, single submitter. Criteria: Ambry Variant Classification Scheme 2023. Collection method: clinical testing. Allele origin: germline.
Comment: The p.A155V variant (also known as c.464C>T), located in coding exon 1 of the TET2 gene, results from a C to T substitution at nucleotide position 464. The alanine at codon 155 is replaced by valine, an amino acid with similar properties. This amino acid position is conserved. In addition, this alteration is predicted to be tolerated by in silico analysis. Based on the available evidence, the clinical significance of this variant remains unclear.

NM_001127208.3(TET2):c.464C>T (p.Ala155Val)

Genes: TET2 (tet methylcytosine dioxygenase 2; plus strand), TET2-AS1 (TET2 antisense RNA 1; minus strand). Cytogenetic location: 4q24.
Variant type: single nucleotide variant.
Coding change: c.464C>T on transcript NM_001127208.3 (MANE Select); coding-DNA position 464, C replaced by T.
Protein change: p.Ala155Val; replaces alanine 155 with valine.
Molecular consequence: missense variant.
Genome position (GRCh38, 1-based): chr4:105,234,406, C>T. VCF-style: chr4-105234406-C-T. GRCh37 (hg19) VCF-style: chr4-106155563-C-T.
Other names: c.464C>T, p.Ala155Val (NM_017628.4); short protein forms A155V.
Identifiers: ClinVar variation 3455370 (VCV003455370.1).